The following is an entry in ClinVar:

NM_017514.5(PLXNA3):c.799G>A (p.Ala267Thr)

Gene: PLXNA3 (plexin A3; plus strand). Cytogenetic location: Xq28.
Variant type: single nucleotide variant.
Coding change: c.799G>A on transcript NM_017514.5 (MANE Select); coding-DNA position 799, G replaced by A.
Protein change: p.Ala267Thr; replaces alanine 267 with threonine.
Molecular consequence: missense variant.
Genome position (GRCh38, 1-based): chrX:154,461,303, G>A. VCF-style: chrX-154461303-G-A. GRCh37 (hg19) VCF-style: chrX-153689643-G-A.
Other names: short protein forms A267T.
Identifiers: ClinVar variation 2634496 (VCV002634496.3), dbSNP rs145244142, ClinGen allele CA10563816.

ClinVar aggregate classification (germline): Likely benign (0 of 4 stars; one submission).

Conditions:
PLXNA3-related disorder. Also called: PLXNA3-related condition.

Allele frequency attached by ClinVar (database versions not stated): ExAC 0.00015; TOPMed 0.00018; gnomAD 0.00019; gnomAD exomes 0.00021; ESP Exome Variant Server 0.00047.

Submission:

PreventionGenetics, part of Exact Sciences
Classification: Likely benign for PLXNA3-related condition. Last evaluated: 2023-12-27. Review status: no assertion criteria provided. Collection method: clinical testing. Allele origin: germline.
Comment: This variant is classified as likely benign based on ACMG/AMP sequence variant interpretation guidelines (Richards et al. 2015 PMID: 25741868, with internal and published modifications).